The following is an entry in ClinVar:

NM_024809.5(TCTN2):c.170C>T (p.Ala57Val)

Gene: TCTN2 (tectonic family member 2; plus strand). Cytogenetic location: 12q24.31.
Variant type: single nucleotide variant.
Coding change: c.170C>T on transcript NM_024809.5 (MANE Select); coding-DNA position 170, C replaced by T.
Protein change: p.Ala57Val; replaces alanine 57 with valine.
Molecular consequence: missense variant.
Genome position (GRCh38, 1-based): chr12:123,671,594, C>T. VCF-style: chr12-123671594-C-T. GRCh37 (hg19) VCF-style: chr12-124156141-C-T.
Other names: c.170C>T, p.Ala57Val (NM_001143850.3, NM_001410989.1); short protein forms A57V.
Identifiers: ClinVar variation 1988793 (VCV001988793.5), dbSNP rs1335349033, ClinGen allele CA387155132.

ClinVar aggregate classification (germline): Uncertain significance. Review status: criteria provided, multiple submitters, no conflicts (2 of 4 stars). 2 submissions from 2 submitters: Uncertain significance (2). Last evaluated 2024-03-27.

Conditions:
Meckel syndrome, type 8. Identifiers: Orphanet 564, MedGen C3836857, MONDO:0013482, OMIM 613885.
Joubert syndrome 24 (JBTS24). Identifiers: Orphanet 475, MedGen C4084841, MONDO:0014724, OMIM 616654.
Joubert syndrome. Also called: CEREBELLOPARENCHYMAL DISORDER IV; JOUBERT-BOLTSHAUSER SYNDROME; Familial aplasia of the vermis. Identifiers: Orphanet 475, MedGen C5979921, MONDO:0018772.
Meckel-Gruber syndrome. Also called: DYSENCEPHALIA SPLANCHNOCYSTICA; GRUBER SYNDROME; Dysencephalia splachnocystica. Identifiers: Orphanet 564, MedGen C0265215, MONDO:0018921.

Allele frequency attached by ClinVar (database versions not stated): gnomAD 0.00001; gnomAD exomes below 0.00001.
gnomAD v4.1: 3 of 1,613,124 alleles (0.00019%); highest among the groups gnomAD compares: African/African-American, 0.0027%; no homozygotes.

Submissions (2):

Fulgent Genetics
Classification: Uncertain significance for Meckel syndrome, type 8; Joubert syndrome 24. Last evaluated: 2024-03-27. Review status: criteria provided, single submitter. Criteria: ACMG Guidelines, 2015. Collection method: clinical testing. Allele origin: germline.

Labcorp Genetics (formerly Invitae), Labcorp
Classification: Uncertain significance for Joubert syndrome; Meckel-Gruber syndrome. Last evaluated: 2022-01-02. Review status: criteria provided, single submitter. Criteria: Invitae Variant Classification Sherloc (09022015). Collection method: clinical testing. Allele origin: germline.
Comment: In summary, the available evidence is currently insufficient to determine the role of this variant in disease. Therefore, it has been classified as a Variant of Uncertain Significance. Algorithms developed to predict the effect of sequence changes on RNA splicing suggest that this variant may create or strengthen a splice site. Algorithms developed to predict the effect of missense changes on protein structure and function (SIFT, PolyPhen-2, Align-GVGD) all suggest that this variant is likely to be tolerated. This variant has not been reported in the literature in individuals affected with TCTN2-related conditions. This variant is present in population databases (no rsID available, gnomAD 0.003%). This sequence change replaces alanine, which is neutral and non-polar, with valine, which is neutral and non-polar, at codon 57 of the TCTN2 protein (p.Ala57Val).